The following is an entry in ClinVar:

ClinVar aggregate classification (germline): Pathogenic (1 of 4 stars; one submission).

Conditions:
Muscular dystrophy-dystroglycanopathy (congenital with impaired intellectual development), type B, 1. Also called: Muscular dystrophy-dystroglycanopathy (congenital with intellectual disability), type B1; MUSCULAR DYSTROPHY, CONGENITAL, POMT1-RELATED. Identifiers: MedGen C5436962, MONDO:0013159, OMIM 613155.

Submission:

Institute of Cell Biology and Neurobiology, Charite - Universitaetsmedizin Berlin
Classification: Pathogenic for Muscular dystrophy-dystroglycanopathy (congenital with impaired intellectual development), type B, 1. Last evaluated: 2018-09-20. Review status: criteria provided, single submitter. Criteria: Submitter's publication. Collection method: clinical testing. Allele origin: maternal. Inheritance: Autosomal recessive inheritance. Affected: yes. Observed: 2 variant alleles, 2 compound heterozygotes. Clinical features observed: Muscular dystrophy (HP:0003741), Moderate intellectual disability (HP:0002342), Primary microcephaly (HP:0011451), Tetraparesis (HP:0002273), Strabismus (HP:0000486), Scoliosis (HP:0002650), Flexion contracture (HP:0001371).
Comment: We revealed a compound heterozygous missense mutation of POMT1 in exon 3 :c.226G>C (p.G76R), which is described before and in exon 6 c.443C>A (Thr148Asn), which is not described before. Both suffer from MDDGB1, a known phenotype associated with this gene.

NM_001077365.2(POMT1):c.443C>A (p.Thr148Asn)

Gene: POMT1 (protein O-mannosyltransferase 1; plus strand). Cytogenetic location: 9q34.13.
Variant type: single nucleotide variant.
Coding change: c.443C>A on transcript NM_001077365.2 (MANE Select); coding-DNA position 443, C replaced by A.
Protein change: p.Thr148Asn; replaces threonine 148 with asparagine.
Molecular consequence: missense variant. On other transcripts: 5 prime UTR variant (2), non-coding transcript variant (8).
Genome position (GRCh38, 1-based): chr9:131,508,926, C>A. VCF-style: chr9-131508926-C-A. GRCh37 (hg19) VCF-style: chr9-134384313-C-A.
Other names: c.281C>A, p.Thr94Asn (NM_001077366.2, NM_001353194.2, NM_001353197.2 and 3 more transcripts); c.443C>A, p.Thr148Asn (NM_001136113.2, NM_001353193.2, NM_001374690.1 and 1 more transcripts); c.92C>A, p.Thr31Asn (NM_001136114.2, NM_001353195.2, NM_001353199.2 and 2 more transcripts); c.353C>A, p.Thr118Asn (NM_001353196.2); c.-14C>A (NM_001353200.2, NM_001374695.1); short protein forms T148N, T94N, T118N, T31N.
Identifiers: ClinVar variation 562183 (VCV000562183.4), dbSNP rs1564341846, ClinGen allele CA375306899.